The following is an entry in ClinVar:

NM_021098.3(CACNA1H):c.1754C>T (p.Pro585Leu)

Gene: CACNA1H (calcium voltage-gated channel subunit alpha1 H; plus strand). Cytogenetic location: 16p13.3.
Variant type: single nucleotide variant.
Coding change: c.1754C>T on transcript NM_021098.3 (MANE Select); coding-DNA position 1754, C replaced by T.
Protein change: p.Pro585Leu; replaces proline 585 with leucine.
Molecular consequence: missense variant.
Genome position (GRCh38, 1-based): chr16:1,202,204, C>T. VCF-style: chr16-1202204-C-T. GRCh37 (hg19) VCF-style: chr16-1252204-C-T.
Other names: c.1754C>T, p.Pro585Leu (NM_001005407.2); short protein forms P585L.
Identifiers: ClinVar variation 529630 (VCV000529630.13), dbSNP rs372367313, ClinGen allele CA7799997.

ClinVar aggregate classification (germline): Conflicting classifications of pathogenicity. Review status: criteria provided, conflicting classifications (1 of 4 stars). 4 submissions from 4 submitters: Uncertain significance (2); Likely benign (2). Last evaluated 2025-12-21.

Conditions:
Inborn genetic diseases. Identifiers: MedGen C0950123, MeSH D030342.
Epilepsy, childhood absence, susceptibility to, 6. Identifiers: Orphanet 64280, MedGen C2749872, MONDO:0012763, OMIM 611942.
Hyperaldosteronism, familial, type IV (HALD4). Also called: FH IV; ALDOSTERONISM, PRIMARY, AND HYPERTENSION. Identifiers: Orphanet 642671, MedGen C4310756, MONDO:0014875, OMIM 617027.
Idiopathic generalized epilepsy. Also called: EIG; Generalised epilepsy. Identifiers: MedGen C0270850, MONDO:0005579, OMIM 600669.

Allele frequency attached by ClinVar (database versions not stated): 1000 Genomes Project 30x 0.00016; ESP Exome Variant Server 0.00019; 1000 Genomes Project 0.00020; ExAC 0.00021; gnomAD 0.00023 and 0.00024; TOPMed 0.00028.

Submissions (4):

Labcorp Genetics (formerly Invitae), Labcorp
Classification: Likely benign for Idiopathic generalized epilepsy; Hyperaldosteronism, familial, type IV. Last evaluated: 2025-12-21. Review status: criteria provided, single submitter. Criteria: Invitae Variant Classification Sherloc (09022015). Collection method: clinical testing. Allele origin: germline.

Ambry Genetics
Classification: Uncertain significance for Inborn genetic diseases. Last evaluated: 2023-06-06. Review status: criteria provided, single submitter. Criteria: Ambry Variant Classification Scheme 2023. Collection method: clinical testing. Allele origin: germline.

GeneDx
Classification: Uncertain significance. Last evaluated: 2023-04-16. Review status: criteria provided, single submitter. Criteria: GeneDx Variant Classification Process June 2021. Collection method: clinical testing. Allele origin: germline. Affected: yes.
Comment: Has not been previously published as pathogenic or benign to our knowledge; In silico analysis supports that this missense variant has a deleterious effect on protein structure/function

Fulgent Genetics
Classification: Likely benign for Epilepsy, childhood absence, susceptibility to, 6; Hyperaldosteronism, familial, type IV. Last evaluated: 2021-12-16. Review status: criteria provided, single submitter. Criteria: ACMG Guidelines, 2015. Collection method: clinical testing. Allele origin: unknown.